The following is an entry in ClinVar:

ClinVar aggregate classification (germline): Uncertain significance (1 of 4 stars; one submission).

Conditions:
DLG3-related disorder. Also called: DLG3-related condition.

gnomAD v4.1: 1 of 1,208,660 alleles (0.000083%); highest among the groups gnomAD compares: Non-Finnish European, 0.00011%; no homozygotes.

Submission:

PreventionGenetics, part of Exact Sciences
Classification: Uncertain significance for DLG3-related condition. Last evaluated: 2025-12-17. Review status: criteria provided, single submitter. Criteria: ACMG Guidelines, 2015. Collection method: clinical testing. Allele origin: germline.
Comment: The DLG3 c.1201G>A variant is predicted to result in the amino acid substitution p.Val401Ile. To our knowledge, this variant has not been reported in the literature or in a large population database (gnomAD), indicating this variant is rare. At this time, the clinical significance of this variant is uncertain due to the absence of conclusive functional and genetic evidence.

NM_021120.4(DLG3):c.1201G>A (p.Val401Ile)

Genes: DLG3 (discs large MAGUK scaffold protein 3; plus strand), DLG3-AS1 (DLG3 antisense RNA 1; minus strand). Cytogenetic location: Xq13.1.
Variant type: single nucleotide variant.
Coding change: c.1201G>A on transcript NM_021120.4 (MANE Select); coding-DNA position 1201, G replaced by A.
Protein change: p.Val401Ile; replaces valine 401 with isoleucine.
Molecular consequence: missense variant.
Genome position (GRCh38, 1-based): chrX:70,453,692, G>A. VCF-style: chrX-70453692-G-A. GRCh37 (hg19) VCF-style: chrX-69673542-G-A.
Other names: c.190G>A, p.Val64Ile (NM_020730.3); short protein forms V401I, V64I.
Identifiers: ClinVar variation 4994117 (VCV004994117.1).